The following is an entry in ClinVar:

NM_000492.4(CFTR):c.3845G>A (p.Trp1282Ter)

Genes: CFTR (CF transmembrane conductance regulator; plus strand), CFTR-AS2 (CFTR antisense RNA 2; minus strand). Cytogenetic location: 7q31.2.
Variant type: single nucleotide variant.
Coding change: c.3845G>A on transcript NM_000492.4 (MANE Select); coding-DNA position 3845, G replaced by A.
Protein change: p.Trp1282Ter; replaces tryptophan 1282 with a stop codon.
Molecular consequence: nonsense.
Genome position (GRCh38, 1-based): chr7:117,642,565, G>A. VCF-style: chr7-117642565-G-A. GRCh37 (hg19) VCF-style: chr7-117282619-G-A.
Other names: short protein forms W1282*.
Identifiers: ClinVar variation 983867 (VCV000983867.3), dbSNP rs1792935619, ClinGen allele CA368975455.

ClinVar aggregate classification (germline): Likely pathogenic (1 of 4 stars; one submission).

Conditions:
Cystic fibrosis (CF). Also called: MUCOVISCIDOSIS. Identifiers: Orphanet 586, MedGen C0010674, MONDO:0009061, OMIM 219700. Disease mechanism: loss of function.

Submission:

Myriad Genetics, Inc.
Classification: Likely pathogenic for Cystic fibrosis. Last evaluated: 2019-09-29. Review status: criteria provided, single submitter. Criteria: Myriad Women's Health Autosomal Recessive and X-Linked Classification Criteria (2019). Collection method: clinical testing. Allele origin: unknown.
Comment: NM_000492.3(CFTR):c.3845G>A(W1282*) is expected to be pathogenic in the context of cystic fibrosis. This variant is predicted to lead to an abnormal or absent protein product due to the creation of a premature termination codon in CFTR, a gene where loss-of-function variants are known to be pathogenic. Please note: this variant was assessed in the context of healthy population screening.